The following is an entry in ClinVar:

NM_000059.4(BRCA2):c.8822A>C (p.Gln2941Pro)

Gene: BRCA2 (BRCA2 DNA repair associated; plus strand). Cytogenetic location: 13q13.1.
Variant type: single nucleotide variant.
Coding change: c.8822A>C on transcript NM_000059.4 (MANE Select); coding-DNA position 8822, A replaced by C.
Protein change: p.Gln2941Pro; replaces glutamine 2941 with proline.
Molecular consequence: missense variant. On other transcripts: non-coding transcript variant (1).
Genome position (GRCh38, 1-based): chr13:32,379,384, A>C. VCF-style: chr13-32379384-A-C. GRCh37 (hg19) VCF-style: chr13-32953521-A-C.
Other names: c.8726A>C, p.Gln2909Pro (NM_001406719.1); c.8822A>C, p.Gln2941Pro (NM_001406720.1); c.3890A>C, p.Gln1297Pro (NM_001406721.1); c.2405A>C, p.Gln802Pro (NM_001406722.1); short protein forms Q2941P, Q802P, Q2909P, Q1297P.
Identifiers: ClinVar variation 2451552 (VCV002451552.6), dbSNP rs779091957, ClinGen allele CA387756126.
Genomic context (GRCh38, chr13:32,379,384, plus strand): 5'-TCAGTGAAGAGCAGTTAAGAGCCTTGAATAATCACAGGCAAATGTTGAATGATAAGAAAC[A>C]AGCTCAGATCCAGTTGGAAATTAGGAAGGCCATGGAATCTGCTGAACAAAAGGAACAAGG-3'
Protein context (NP_000050.3, residues 2931-2951): NHRQMLNDKK[Gln2941Pro]AQIQLEIRKA

ClinVar aggregate classification (germline): Conflicting classifications of pathogenicity. Review status: criteria provided, conflicting classifications (1 of 4 stars). 2 submissions from 2 submitters: Uncertain significance (1); Likely benign (1). Last evaluated 2025-05-15.

Conditions:
Hereditary breast ovarian cancer syndrome. Also called: Hereditary breast and/or ovarian cancer syndrome; BRCA1- and BRCA2-Associated Hereditary Breast and Ovarian Cancer; Hereditary breast and ovarian cancer syndrome; Hereditary breast and ovarian cancer; Hereditary breast and ovarian cancer syndrome (HBOC); Breast and ovarian cancer. Identifiers: Orphanet 145, MedGen C0677776, MeSH D061325, MONDO:0003582. Disease mechanism: loss of function.
Hereditary cancer-predisposing syndrome. Also called: Neoplastic Syndromes, Hereditary; Tumor predisposition; Hereditary neoplastic syndrome; Hereditary Cancer Syndrome. Identifiers: Orphanet 140162, MedGen C0027672, MeSH D009386, MONDO:0015356.

Submissions (2):

Ambry Genetics
Classification: Likely benign for Hereditary cancer-predisposing syndrome. Last evaluated: 2025-05-15. Review status: criteria provided, single submitter. Criteria: Ambry Variant Classification Scheme 2023. Collection method: clinical testing. Allele origin: germline.

Labcorp Genetics (formerly Invitae), Labcorp
Classification: Uncertain significance for Hereditary breast ovarian cancer syndrome. Last evaluated: 2024-11-05. Review status: criteria provided, single submitter. Criteria: Invitae Variant Classification Sherloc (09022015). Collection method: clinical testing. Allele origin: germline.
Comment: This sequence change replaces glutamine, which is neutral and polar, with proline, which is neutral and non-polar, at codon 2941 of the BRCA2 protein (p.Gln2941Pro). This variant is not present in population databases (gnomAD no frequency). This variant has not been reported in the literature in individuals affected with BRCA2-related conditions. ClinVar contains an entry for this variant (Variation ID: 2451552). Invitae Evidence Modeling of protein sequence and biophysical properties (such as structural, functional, and spatial information, amino acid conservation, physicochemical variation, residue mobility, and thermodynamic stability) indicates that this missense variant is not expected to disrupt BRCA2 protein function with a negative predictive value of 95%. In summary, the available evidence is currently insufficient to determine the role of this variant in disease. Therefore, it has been classified as a Variant of Uncertain Significance.